The following is an entry in ClinVar:

ClinVar aggregate classification (germline): Uncertain significance. Review status: criteria provided, multiple submitters, no conflicts (2 of 4 stars). 2 submissions from 2 submitters: Uncertain significance (2). Last evaluated 2025-08-09.

Conditions:
Inborn genetic diseases. Identifiers: MedGen C0950123, MeSH D030342.

Allele frequency attached by ClinVar (database versions not stated): gnomAD 0.00003; ExAC 0.00019; 1000 Genomes Project 30x 0.00031.

Submissions (2):

Ambry Genetics
Classification: Uncertain significance for Inborn genetic diseases. Last evaluated: 2025-08-09. Review status: criteria provided, single submitter. Criteria: Ambry Variant Classification Scheme 2023. Collection method: clinical testing. Allele origin: germline.

Labcorp Genetics (formerly Invitae), Labcorp
Classification: Uncertain significance. Last evaluated: 2025-07-27. Review status: criteria provided, single submitter. Criteria: Invitae Variant Classification Sherloc (09022015). Collection method: clinical testing. Allele origin: germline.
Comment: This sequence change replaces glycine, which is neutral and non-polar, with arginine, which is basic and polar, at codon 1511 of the APC2 protein (p.Gly1511Arg). This variant is present in population databases (rs761036148, gnomAD 0.05%). This variant has not been reported in the literature in individuals affected with APC2-related conditions. ClinVar contains an entry for this variant (Variation ID: 2068860). An algorithm developed to predict the effect of missense changes on protein structure and function (PolyPhen-2) suggests that this variant is likely to be tolerated. In summary, the available evidence is currently insufficient to determine the role of this variant in disease. Therefore, it has been classified as a Variant of Uncertain Significance.

NM_005883.3(APC2):c.4531G>C (p.Gly1511Arg)

Gene: APC2 (APC regulator of Wnt signaling pathway 2; plus strand). Cytogenetic location: 19p13.3.
Variant type: single nucleotide variant.
Coding change: c.4531G>C on transcript NM_005883.3 (MANE Select); coding-DNA position 4531, G replaced by C.
Protein change: p.Gly1511Arg; replaces glycine 1511 with arginine.
Molecular consequence: missense variant.
Genome position (GRCh38, 1-based): chr19:1,467,832, G>C. VCF-style: chr19-1467832-G-C. GRCh37 (hg19) VCF-style: chr19-1467831-G-C.
Other names: c.4531G>C (NM_005883.2); c.4528G>C, p.Gly1510Arg (NM_001351273.1); short protein forms G1510R, G1511R.
Identifiers: ClinVar variation 2068860 (VCV002068860.5), dbSNP rs761036148, ClinGen allele CA9045837.